The following is an entry in ClinVar:

ClinVar aggregate classification (germline): Uncertain significance. Review status: criteria provided, multiple submitters, no conflicts (2 of 4 stars). 2 submissions from 2 submitters: Uncertain significance (2). Last evaluated 2025-12-20.

Conditions:
Congenital glucose-galactose malabsorption (GGM). Also called: MONOSACCHARIDE MALABSORPTION; DIARRHEA 16. Identifiers: Orphanet 35710, MedGen C0268186, MONDO:0011731, OMIM 606824.
Inborn genetic diseases. Identifiers: MedGen C0950123, MeSH D030342.

Allele frequency attached by ClinVar (database versions not stated): TOPMed below 0.00001; ExAC 0.00001.
gnomAD v4.1: 18 of 1,614,090 alleles (0.0011%); highest among the groups gnomAD compares: Admixed American, 0.005%; no homozygotes.

Submissions (2):

Labcorp Genetics (formerly Invitae), Labcorp
Classification: Uncertain significance for Congenital glucose-galactose malabsorption. Last evaluated: 2025-12-20. Review status: criteria provided, single submitter. Criteria: Invitae Variant Classification Sherloc (09022015). Collection method: clinical testing. Allele origin: germline.
Comment: This sequence change replaces arginine, which is basic and polar, with histidine, which is basic and polar, at codon 52 of the SLC5A1 protein (p.Arg52His). This variant is present in population databases (rs773674977, gnomAD 0.01%). This variant has not been reported in the literature in individuals affected with SLC5A1-related conditions. ClinVar contains an entry for this variant (Variation ID: 1450841). Invitae Evidence Modeling of protein sequence and biophysical properties (such as structural, functional, and spatial information, amino acid conservation, physicochemical variation, residue mobility, and thermodynamic stability) indicates that this missense variant is expected to disrupt SLC5A1 protein function with a positive predictive value of 95%. In summary, the available evidence is currently insufficient to determine the role of this variant in disease. Therefore, it has been classified as a Variant of Uncertain Significance.

Ambry Genetics
Classification: Uncertain significance for Inborn genetic diseases. Last evaluated: 2021-08-28. Review status: criteria provided, single submitter. Criteria: Ambry Variant Classification Scheme 2023. Collection method: clinical testing. Allele origin: germline.

NM_000343.4(SLC5A1):c.155G>A (p.Arg52His)

Gene: SLC5A1 (solute carrier family 5 member 1; plus strand). Cytogenetic location: 22q12.3.
Variant type: single nucleotide variant.
Coding change: c.155G>A on transcript NM_000343.4 (MANE Select); coding-DNA position 155, G replaced by A.
Protein change: p.Arg52His; replaces arginine 52 with histidine.
Molecular consequence: missense variant.
Genome position (GRCh38, 1-based): chr22:32,049,962, G>A. VCF-style: chr22-32049962-G-A. GRCh37 (hg19) VCF-style: chr22-32445949-G-A.
Other names: c.155G>A (NM_000343.3); short protein forms R52H.
Identifiers: ClinVar variation 1450841 (VCV001450841.5), dbSNP rs773674977, ClinGen allele CA10197869.